The following is an entry in ClinVar:

ClinVar aggregate classification (germline): Uncertain significance (1 of 4 stars; one submission).

Conditions:
Hereditary cancer-predisposing syndrome. Also called: Neoplastic Syndromes, Hereditary; Hereditary Cancer Syndrome; Hereditary neoplastic syndrome; Tumor predisposition. Identifiers: Orphanet 140162, MedGen C0027672, MeSH D009386, MONDO:0015356.

Submission:

Ambry Genetics
Classification: Uncertain significance for Hereditary cancer-predisposing syndrome. Last evaluated: 2023-05-30. Review status: criteria provided, single submitter. Criteria: Ambry Variant Classification Scheme 2023. Collection method: clinical testing. Allele origin: germline.
Comment: The p.P429S variant (also known as c.1285C>T), located in coding exon 8 of the MSH3 gene, results from a C to T substitution at nucleotide position 1285. The proline at codon 429 is replaced by serine, an amino acid with similar properties. This amino acid position is conserved. In addition, the in silico prediction for this alteration is inconclusive. Since supporting evidence is limited at this time, the clinical significance of this alteration remains unclear.

NM_002439.5(MSH3):c.1285C>T (p.Pro429Ser)

Gene: MSH3 (mutS homolog 3; plus strand). Cytogenetic location: 5q14.1.
Variant type: single nucleotide variant.
Coding change: c.1285C>T on transcript NM_002439.5 (MANE Select); coding-DNA position 1285, C replaced by T.
Protein change: p.Pro429Ser; replaces proline 429 with serine.
Molecular consequence: missense variant.
Genome position (GRCh38, 1-based): chr5:80,679,038, C>T. VCF-style: chr5-80679038-C-T. GRCh37 (hg19) VCF-style: chr5-79974857-C-T.
Other names: short protein forms P429S.
Identifiers: ClinVar variation 2565682 (VCV002565682.2), dbSNP rs2546726637, ClinGen allele CA360269042.